The following is an entry in ClinVar:

NM_017654.4(SAMD9):c.3187G>A (p.Gly1063Arg)

Gene: SAMD9 (sterile alpha motif domain containing 9; minus strand). Cytogenetic location: 7q21.2.
Variant type: single nucleotide variant.
Coding change: c.3187G>A on transcript NM_017654.4 (MANE Select); coding-DNA position 3187, G replaced by A.
Protein change: p.Gly1063Arg; replaces glycine 1063 with arginine.
Molecular consequence: missense variant.
Genome position (GRCh38, 1-based): chr7:93,102,911, C>T on the plus strand (G>A on the coding strand, the complement: SAMD9 is on the minus strand). VCF-style: chr7-93102911-C-T. GRCh37 (hg19) VCF-style: chr7-92732224-C-T.
Other names: c.3187G>A, p.Gly1063Arg (NM_001193307.2); short protein forms G1063R.
Identifiers: ClinVar variation 2800011 (VCV002800011.3), dbSNP rs2535356347, ClinGen allele CA368188588.
Genomic context (GRCh38, chr7:93,102,911, plus strand): 5'-ATGCATTTGGGTTGAACCGATGGATACTTTCAAGCAATACAGCTTCAACTGCTTCATTTC[C>T]TTCATCTTTATGTAATGCTTCAATAAATGGGGAAAACCAATTTCCTGTTTCACCTTCATG-3'
Protein context (NP_060124.2, residues 1053-1073): PFIEALHKDE[Gly1063Arg]NEAVEAVLLE

ClinVar aggregate classification (germline): Uncertain significance (1 of 4 stars; one submission).

gnomAD v4.1: 1 of 1,613,854 alleles (0.000062%); no homozygotes.

Submission:

Labcorp Genetics (formerly Invitae), Labcorp
Classification: Uncertain significance. Last evaluated: 2023-05-30. Review status: criteria provided, single submitter. Criteria: Invitae Variant Classification Sherloc (09022015). Collection method: clinical testing. Allele origin: germline.
Comment: In summary, the available evidence is currently insufficient to determine the role of this variant in disease. Therefore, it has been classified as a Variant of Uncertain Significance. Advanced modeling of protein sequence and biophysical properties (such as structural, functional, and spatial information, amino acid conservation, physicochemical variation, residue mobility, and thermodynamic stability) has been performed at Invitae for this missense variant, however the output from this modeling did not meet the statistical confidence thresholds required to predict the impact of this variant on SAMD9 protein function. This variant has not been reported in the literature in individuals affected with SAMD9-related conditions. This variant is not present in population databases (gnomAD no frequency). This sequence change replaces glycine, which is neutral and non-polar, with arginine, which is basic and polar, at codon 1063 of the SAMD9 protein (p.Gly1063Arg).